The following is an entry in ClinVar:

NM_015107.3(PHF8):c.2649+745A>G

Gene: PHF8 (PHD finger protein 8; minus strand). Cytogenetic location: Xp11.22.
Variant type: single nucleotide variant.
Coding change: c.2649+745A>G on transcript NM_015107.3 (MANE Select); 745 bases into the intron after coding-DNA position 2649, A replaced by G.
Molecular consequence: intron variant. On other transcripts: missense variant (1).
Genome position (GRCh38, 1-based): chrX:53,943,389, T>C on the plus strand (A>G on the coding strand, the complement: PHF8 is on the minus strand). VCF-style: chrX-53943389-T-C. GRCh37 (hg19) VCF-style: chrX-53969822-T-C.
Other names: c.2612A>G, p.Lys871Arg (NM_001184898.2); c.2757+745A>G (NM_001184896.1); c.2346+745A>G (NM_001184897.2); short protein forms K871R.
Identifiers: ClinVar variation 2660641 (VCV002660641.24), dbSNP rs1042016027, ClinGen allele CA329921966.
Genomic context (GRCh38, chrX:53,943,389, plus strand): 5'-TGAGTTTGAGTTGTCTCCTCCATTTACTGGCTGTATTATCCTGAGTCAGTTAATGAGAGC[T>C]TCATTTTCTTCACCTATAAAATGATGAAAATATCACCTGTTGAACAGGGCTATTGGGCAG-3'

ClinVar aggregate classification (germline): Likely benign (1 of 4 stars; one submission).

Allele frequency attached by ClinVar (database versions not stated): gnomAD 0.00007; gnomAD exomes 0.00015; TOPMed 0.00006.
gnomAD v4.1: 135 of 973,399 alleles (0.014%); highest among the groups gnomAD compares: Non-Finnish European, 0.018%; no homozygotes.

Submission:

CeGaT Center for Human Genetics Tuebingen
Classification: Likely benign. Last evaluated: 2023-01-01. Review status: criteria provided, single submitter. Criteria: CeGaT Center For Human Genetics Tuebingen Variant Classification Criteria Version 2. Collection method: clinical testing. Allele origin: germline. Affected: yes. Observed: 2 variant alleles.
Comment: PHF8: PP2, BP4, BS2